The following is an entry in ClinVar:

ClinVar aggregate classification (germline): Uncertain significance. Review status: criteria provided, multiple submitters, no conflicts (2 of 4 stars). 3 submissions from 3 submitters: Uncertain significance (3). Last evaluated 2026-01-26.

Conditions:
Inborn genetic diseases. Identifiers: MedGen C0950123, MeSH D030342.
Donnai-Barrow syndrome. Also called: DBS/FOAR SYNDROME; FACIOOCULOACOUSTICORENAL SYNDROME. Identifiers: Orphanet 2143, MedGen C1857277, MONDO:0009104, OMIM 222448.

Allele frequency attached by ClinVar (database versions not stated): ExAC 0.00005; TOPMed 0.00006; gnomAD 0.00007; ESP Exome Variant Server 0.00008; gnomAD exomes 0.00015.
gnomAD v4.1: 218 of 1,613,034 alleles (0.014%); highest among the groups gnomAD compares: Non-Finnish European, 0.018%; no homozygotes.

Submissions (3):

Labcorp Genetics (formerly Invitae), Labcorp
Classification: Uncertain significance. Last evaluated: 2026-01-26. Review status: criteria provided, single submitter. Criteria: Invitae Variant Classification Sherloc (09022015). Collection method: clinical testing. Allele origin: germline.
Comment: This sequence change replaces asparagine, which is neutral and polar, with serine, which is neutral and polar, at codon 781 of the LRP2 protein (p.Asn781Ser). This variant is present in population databases (rs371966515, gnomAD 0.02%). This variant has not been reported in the literature in individuals affected with LRP2-related conditions. ClinVar contains an entry for this variant (Variation ID: 2080211). Invitae Evidence Modeling of protein sequence and biophysical properties (such as structural, functional, and spatial information, amino acid conservation, physicochemical variation, residue mobility, and thermodynamic stability) indicates that this missense variant is not expected to disrupt LRP2 protein function with a negative predictive value of 80%. In summary, the available evidence is currently insufficient to determine the role of this variant in disease. Therefore, it has been classified as a Variant of Uncertain Significance.

Ambry Genetics
Classification: Uncertain significance for Inborn genetic diseases. Last evaluated: 2025-02-22. Review status: criteria provided, single submitter. Criteria: Ambry Variant Classification Scheme 2023. Collection method: clinical testing. Allele origin: germline.

Blueprint Genetics
Classification: Uncertain significance. Last evaluated: 2022-09-07. Review status: criteria provided, single submitter. Criteria: ACMG Guidelines, 2015. Collection method: clinical testing. Allele origin: germline.

NM_004525.3(LRP2):c.2342A>G (p.Asn781Ser)

Gene: LRP2 (LDL receptor related protein 2; minus strand). Cytogenetic location: 2q31.1.
Variant type: single nucleotide variant.
Coding change: c.2342A>G on transcript NM_004525.3 (MANE Select); coding-DNA position 2342, A replaced by G.
Protein change: p.Asn781Ser; replaces asparagine 781 with serine.
Molecular consequence: missense variant.
Genome position (GRCh38, 1-based): chr2:169,259,196, T>C on the plus strand (A>G on the coding strand, the complement: LRP2 is on the minus strand). VCF-style: chr2-169259196-T-C. GRCh37 (hg19) VCF-style: chr2-170115706-T-C.
Other names: c.2342A>G (NM_004525.2); short protein forms N781S.
Identifiers: ClinVar variation 2080211 (VCV002080211.6), dbSNP rs371966515, ClinGen allele CA1955314.